The following is an entry in ClinVar:

NM_004168.4(SDHA):c.1065A>G (p.Arg355=)

Gene: SDHA (succinate dehydrogenase complex flavoprotein subunit A; plus strand). Cytogenetic location: 5p15.33.
Variant type: single nucleotide variant.
Coding change: c.1065A>G on transcript NM_004168.4 (MANE Select); coding-DNA position 1065, A replaced by G.
Protein change: p.Arg355=; no amino-acid change (arginine 355 retained).
Molecular consequence: synonymous variant.
Genome position (GRCh38, 1-based): chr5:235,144, A>G. VCF-style: chr5-235144-A-G. GRCh37 (hg19) VCF-style: chr5-235259-A-G.
Other names: c.921A>G, p.Arg307= (NM_001294332.2); c.1065A>G, p.Arg355= (NM_001330758.2).
Identifiers: ClinVar variation 1506073 (VCV001506073.12), dbSNP rs2126584114, ClinGen allele CA442691918.
Genomic context (GRCh38, chr5:235,144, plus strand): 5'-TTCTCAGGTCTCCTGCCGTTGCCGTTCTCTGCCGTATGTGATGGTGTTCTGTCTTACCAG[A>G]GGCTGTGGCCCTGAGAAAGATCACGTCTACCTGCAGCTGCACCACCTACCTCCAGAGCAG-3'
Protein context (NP_004159.2, residues 345-365): RSMTLEIREG[Arg355=]GCGPEKDHVY

ClinVar aggregate classification (germline): Uncertain significance (1 of 4 stars; one submission).

Conditions:
Mitochondrial complex II deficiency, nuclear type 1. Also called: SUCCINATE CoQ REDUCTASE DEFICIENCY. Identifiers: Orphanet 3208, MedGen C5700310, MONDO:0100294, OMIM 252011.
Pheochromocytoma/paraganglioma syndrome 5. Also called: Paragangliomas 5; SDHA-Related Hereditary Paraganglioma-Pheochromocytoma Syndrome. Identifiers: Orphanet 29072, MedGen C3279992, MONDO:0013602, OMIM 614165.

Submission:

Labcorp Genetics (formerly Invitae), Labcorp
Classification: Uncertain significance for Pheochromocytoma/paraganglioma syndrome 5; Mitochondrial complex II deficiency, nuclear type 1. Last evaluated: 2023-10-29. Review status: criteria provided, single submitter. Criteria: Invitae Variant Classification Sherloc (09022015). Collection method: clinical testing. Allele origin: germline.
Comment: This sequence change affects codon 355 of the SDHA mRNA. It is a 'silent' change, meaning that it does not change the encoded amino acid sequence of the SDHA protein. It affects a nucleotide within the consensus splice site. This variant is not present in population databases (gnomAD no frequency). This variant has not been reported in the literature in individuals affected with SDHA-related conditions. ClinVar contains an entry for this variant (Variation ID: 1506073). Algorithms developed to predict the effect of sequence changes on RNA splicing suggest that this variant is not likely to affect RNA splicing. In summary, the available evidence is currently insufficient to determine the role of this variant in disease. Therefore, it has been classified as a Variant of Uncertain Significance.